The following is an entry in ClinVar:

ClinVar aggregate classification (germline): Likely benign. Review status: criteria provided, multiple submitters, no conflicts (2 of 4 stars). 3 submissions from 3 submitters: Likely benign (3). Last evaluated 2026-08-16.

Conditions:
Cardiovascular phenotype. Identifiers: MedGen CN230736.
Long QT syndrome (LQTS). Identifiers: MedGen C0023976, MeSH D008133, MONDO:0002442. Disease mechanism: loss of function. Inheritance: Various modes of inheritance.

Allele frequency attached by ClinVar (database versions not stated): TOPMed below 0.00001.
gnomAD v4.1: 9 of 1,600,688 alleles (0.00056%); highest among the groups gnomAD compares: African/African-American, 0.0013%; no homozygotes.

Submissions (3):

Ambry Genetics
Classification: Likely benign for Cardiovascular phenotype. Last evaluated: 2026-08-16. Review status: criteria provided, single submitter. Criteria: Ambry Variant Classification Scheme 2023. Collection method: clinical testing. Allele origin: germline.

CeGaT Center for Human Genetics Tuebingen
Classification: Likely benign. Last evaluated: 2026-03-01. Review status: criteria provided, single submitter. Criteria: CeGaT Center For Human Genetics Tuebingen Variant Classification Criteria Version 2. Collection method: clinical testing. Allele origin: germline. Affected: yes. Observed: 2 variant alleles.
Comment: CACNA1C: BP4, BP7

Labcorp Genetics (formerly Invitae), Labcorp
Classification: Likely benign for Long QT syndrome. Last evaluated: 2025-05-25. Review status: criteria provided, single submitter. Criteria: Invitae Variant Classification Sherloc (09022015). Collection method: clinical testing. Allele origin: germline.

NM_000719.7(CACNA1C):c.6231G>A (p.Ala2077=)

Genes: CACNA1C (calcium voltage-gated channel subunit alpha1 C; plus strand), CACNA1C-AS1 (CACNA1C antisense RNA 1; minus strand). Cytogenetic location: 12p13.33.
Variant type: single nucleotide variant.
Coding change: c.6231G>A on transcript NM_000719.7 (MANE Select); coding-DNA position 6231, G replaced by A.
Protein change: p.Ala2077=; no amino-acid change (alanine 2077 retained).
Molecular consequence: synonymous variant.
Genome position (GRCh38, 1-based): chr12:2,691,013, G>A. VCF-style: chr12-2691013-G-A. GRCh37 (hg19) VCF-style: chr12-2800179-G-A.
Other names: c.6231G>A (NM_000719.6); c.6336G>A, p.Ala2112= (NM_001129830.3, NM_001167624.3); c.6315G>A, p.Ala2105= (NM_001129831.2); c.6291G>A, p.Ala2097= (NM_001129832.2); c.6288G>A, p.Ala2096= (NM_001129833.2, NM_001129834.2, NM_001129835.2); c.6282G>A, p.Ala2094= (NM_001129836.2); c.6255G>A, p.Ala2085= (NM_001129837.2, NM_001129838.2); c.6249G>A, p.Ala2083= (NM_001129839.2); and 7 more.
Identifiers: ClinVar variation 1636655 (VCV001636655.17), dbSNP rs772093926, ClinGen allele CA478088677.